The following is an entry in ClinVar:

NM_005733.3(KIF20A):c.242G>A (p.Arg81Gln)

Gene: KIF20A (kinesin family member 20A; plus strand). Cytogenetic location: 5q31.2.
Variant type: single nucleotide variant.
Coding change: c.242G>A on transcript NM_005733.3 (MANE Select); coding-DNA position 242, G replaced by A.
Protein change: p.Arg81Gln; replaces arginine 81 with glutamine.
Molecular consequence: missense variant.
Genome position (GRCh38, 1-based): chr5:138,181,498, G>A. VCF-style: chr5-138181498-G-A. GRCh37 (hg19) VCF-style: chr5-137517187-G-A.
Other names: c.242G>A (NM_005733.2); short protein forms R81Q.
Identifiers: ClinVar variation 2062196 (VCV002062196.5), dbSNP rs527740679, ClinGen allele CA3426247.

ClinVar aggregate classification (germline): Uncertain significance. Review status: criteria provided, multiple submitters, no conflicts (2 of 4 stars). 2 submissions from 2 submitters: Uncertain significance (2). Last evaluated 2025-07-30.

Allele frequency attached by ClinVar (database versions not stated): ExAC 0.00003; 1000 Genomes Project 30x 0.00016; 1000 Genomes Project 0.00020.
gnomAD v4.1: 25 of 1,614,162 alleles (0.0015%); highest among the groups gnomAD compares: South Asian, 0.011%; no homozygotes.

Submissions (2):

Labcorp Genetics (formerly Invitae), Labcorp
Classification: Uncertain significance. Last evaluated: 2025-07-30. Review status: criteria provided, single submitter. Criteria: Invitae Variant Classification Sherloc (09022015). Collection method: clinical testing. Allele origin: germline.
Comment: This sequence change replaces arginine, which is basic and polar, with glutamine, which is neutral and polar, at codon 81 of the KIF20A protein (p.Arg81Gln). This variant is present in population databases (rs527740679, gnomAD 0.01%). This variant has not been reported in the literature in individuals affected with KIF20A-related conditions. ClinVar contains an entry for this variant (Variation ID: 2062196). An algorithm developed to predict the effect of missense changes on protein structure and function (PolyPhen-2) suggests that this variant is likely to be tolerated. In summary, the available evidence is currently insufficient to determine the role of this variant in disease. Therefore, it has been classified as a Variant of Uncertain Significance.

Ambry Genetics
Classification: Uncertain significance. Last evaluated: 2024-04-12. Review status: criteria provided, single submitter. Criteria: Ambry Variant Classification Scheme 2023. Collection method: clinical testing. Allele origin: germline.